The following is an entry in ClinVar:

ClinVar aggregate classification (germline): Benign/Likely benign. Review status: criteria provided, multiple submitters, no conflicts (2 of 4 stars). 2 submissions from 2 submitters: Benign (1); Likely benign (1). Last evaluated 2024-06-18.

Conditions:
Familial cancer of breast. Also called: Hereditary breast cancer; BREAST CANCER, FAMILIAL; hereditary breast carcinoma. Identifiers: Orphanet 227535, MedGen C0346153, MONDO:0016419, OMIM 114480. Disease mechanism: loss of function.
Ataxia-telangiectasia syndrome (AT). Also called: ATAXIA-TELANGIECTASIA, COMPLEMENTATION GROUP A; ATAXIA-TELANGIECTASIA, FRESNO VARIANT; Ataxia-telangiectasia; Ataxia-telangiectasia, complementation group D; AT, COMPLEMENTATION GROUP C; Ataxia-telangiectasia, complementation group E. Identifiers: Orphanet 100, MedGen C0004135, MONDO:0008840, OMIM 208900.

Allele frequency attached by ClinVar (database versions not stated): gnomAD exomes below 0.00001.
gnomAD v4.1: 3 of 1,614,080 alleles (0.00019%); highest among the groups gnomAD compares: Non-Finnish European, 0.00025%; no homozygotes.

Submissions (2):

Myriad Genetics, Inc.
Classification: Benign for Familial cancer of breast. Last evaluated: 2024-06-18. Review status: criteria provided, single submitter. Criteria: Myriad Autosomal Dominant, Autosomal Recessive and X-Linked Classification Criteria (2023). Collection method: clinical testing. Allele origin: unknown.
Comment: This variant is considered benign. This variant is a silent/synonymous amino acid change and it is not expected to impact splicing.

Labcorp Genetics (formerly Invitae), Labcorp
Classification: Likely benign for Ataxia-telangiectasia syndrome. Last evaluated: 2018-11-26. Review status: criteria provided, single submitter. Criteria: Invitae Variant Classification Sherloc (09022015). Collection method: clinical testing. Allele origin: germline.

NM_000051.4(ATM):c.8133G>A (p.Glu2711=)

Genes: C11orf65 (chromosome 11 open reading frame 65; minus strand), ATM (ATM serine/threonine kinase; plus strand). Cytogenetic location: 11q22.3.
Variant type: single nucleotide variant.
Coding change: c.8133G>A on transcript NM_000051.4 (MANE Select); coding-DNA position 8133, G replaced by A.
Protein change: p.Glu2711=; no amino-acid change (glutamic acid 2711 retained).
Molecular consequence: synonymous variant. On other transcripts: intron variant (2).
Genome position (GRCh38, 1-based): chr11:108,335,091, G>A. VCF-style: chr11-108335091-G-A. GRCh37 (hg19) VCF-style: chr11-108205818-G-A.
Other names: c.8133G>A, p.Glu2711= (NM_001351834.2); c.641-26020C>T (NM_001330368.2); c.*38+129C>T (NM_001351110.2).
Identifiers: ClinVar variation 796068 (VCV000796068.10), dbSNP rs1591192322, ClinGen allele CA476677758.